The following is an entry in ClinVar:

NM_006245.4(PPP2R5D):c.1022C>G (p.Pro341Arg)

Gene: PPP2R5D (protein phosphatase 2 regulatory subunit B'delta; plus strand). Cytogenetic location: 6p21.1.
Variant type: single nucleotide variant.
Coding change: c.1022C>G on transcript NM_006245.4 (MANE Select); coding-DNA position 1022, C replaced by G.
Protein change: p.Pro341Arg; replaces proline 341 with arginine.
Molecular consequence: missense variant.
Genome position (GRCh38, 1-based): chr6:43,008,471, C>G. VCF-style: chr6-43008471-C-G. GRCh37 (hg19) VCF-style: chr6-42976209-C-G.
Other names: c.926C>G, p.Pro309Arg (NM_180976.3); c.704C>G, p.Pro235Arg (NM_180977.3); c.569C>G, p.Pro190Arg (NM_001270476.2); short protein forms P235R, P341R, P190R, P309R.
Identifiers: ClinVar variation 3007782 (VCV003007782.3), dbSNP rs1762200226, ClinGen allele CA364192333.

ClinVar aggregate classification (germline): Uncertain significance (1 of 4 stars; one submission).

gnomAD v4.1: 2 of 1,606,244 alleles (0.00012%); highest among the groups gnomAD compares: Non-Finnish European, 0.00017%; no homozygotes.

Submission:

Labcorp Genetics (formerly Invitae), Labcorp
Classification: Uncertain significance. Last evaluated: 2024-01-30. Review status: criteria provided, single submitter. Criteria: Invitae Variant Classification Sherloc (09022015). Collection method: clinical testing. Allele origin: germline.
Comment: This sequence change replaces proline, which is neutral and non-polar, with arginine, which is basic and polar, at codon 341 of the PPP2R5D protein (p.Pro341Arg). This variant is not present in population databases (gnomAD no frequency). This variant has not been reported in the literature in individuals affected with PPP2R5D-related conditions. An algorithm developed to predict the effect of missense changes on protein structure and function (PolyPhen-2) suggests that this variant is likely to be disruptive. In summary, the available evidence is currently insufficient to determine the role of this variant in disease. Therefore, it has been classified as a Variant of Uncertain Significance.